The following is an entry in ClinVar:

NM_000379.4(XDH):c.*518A>G

Gene: XDH (xanthine dehydrogenase; minus strand). Cytogenetic location: 2p23.1.
Variant type: single nucleotide variant.
Coding change: c.*518A>G on transcript NM_000379.4 (MANE Select); 518 bases downstream of the stop codon, A replaced by G.
Molecular consequence: 3 prime UTR variant.
Genome position (GRCh38, 1-based): chr2:31,335,440, T>C on the plus strand (A>G on the coding strand, the complement: XDH is on the minus strand). VCF-style: chr2-31335440-T-C. GRCh37 (hg19) VCF-style: chr2-31558306-T-C.
Identifiers: ClinVar variation 335751 (VCV000335751.6), dbSNP rs1042039, ClinGen allele CA10615269.

ClinVar aggregate classification (germline): Benign. Review status: criteria provided, multiple submitters, no conflicts (2 of 4 stars). 2 submissions from 2 submitters: Benign (2). Last evaluated 2018-01-13.

Conditions:
Hereditary xanthinuria type 1 (XAN1). Identifiers: Orphanet 3467, Orphanet 93601, MedGen C0268118, MONDO:0010209, OMIM 278300.

Allele frequency attached by ClinVar (database versions not stated): TOPMed 0.40229; gnomAD 0.40737 and 0.41423; 1000 Genomes Project 30x 0.42708; 1000 Genomes Project 0.43191; gnomAD exomes 0.50553.
gnomAD v4.1: 72,659 of 171,280 alleles (42%); highest among the groups gnomAD compares: East Asian, 60%; 17,404 homozygotes.

Submissions (2):

Illumina Laboratory Services, Illumina
Classification: Benign for Hereditary xanthinuria type 1. Last evaluated: 2018-01-13. Review status: criteria provided, single submitter. Criteria: ICSL Variant Classification Criteria 13 December 2019. Collection method: clinical testing. Allele origin: germline.
Comment: This variant was observed in the ICSL laboratory as part of a predisposition screen in an ostensibly healthy population. It had not been previously curated by ICSL or reported in the Human Gene Mutation Database (HGMD: prior to June 1st, 2018), and was therefore a candidate for classification through an automated scoring system. Utilizing variant allele frequency, disease prevalence and penetrance estimates, and inheritance mode, an automated score was calculated to assess if this variant is too frequent to cause the disease. Based on the score and internal cut-off values, a variant classified as benign is not then subjected to further curation. The score for this variant resulted in a classification of benign for this disease.

Breakthrough Genomics
Classification: Benign. Review status: criteria provided, single submitter. Criteria: ACMG Guidelines, 2015. Collection method: not provided. Allele origin: germline. Inheritance: Autosomal recessive inheritance. Affected: yes.